The following is an entry in ClinVar:

NM_006506.5(RASA2):c.1049dup (p.Leu350fs)

Gene: RASA2 (RAS p21 protein activator 2; plus strand). Cytogenetic location: 3q23.
Variant type: Duplication.
Coding change: c.1049dup on transcript NM_006506.5 (MANE Select); coding-DNA position 1049, one base duplicated (T; older notation c.1049dupT).
Protein change: p.Leu350fs; shifts the reading frame from leucine 350.
Molecular consequence: frameshift variant.
Genome position (GRCh38, 1-based): chr3:141,571,434, T duplicated; the last of 4 consecutive T bases (chr3:141,571,431-141,571,434); duplicating any one gives the same sequence. VCF-style (leftmost placement, unchanged base first): chr3-141571430-A-AT. GRCh37 (hg19) VCF-style: chr3-141290272-A-AT.
Other names: c.1049dup, p.Leu350fs (NM_001303245.3, NM_001303246.3); short protein forms L350fs.
Identifiers: ClinVar variation 3045181 (VCV003045181.2), dbSNP rs775275481, ClinGen allele CA2577921767.

ClinVar aggregate classification (germline): Uncertain significance (0 of 4 stars; one submission).

Conditions:
RASA2-related disorder. Also called: RASA2-related condition.

Submission:

PreventionGenetics, part of Exact Sciences
Classification: Uncertain significance for RASA2-related condition. Last evaluated: 2023-12-26. Review status: no assertion criteria provided. Collection method: clinical testing. Allele origin: germline.
Comment: The RASA2 c.1049dupT variant is predicted to result in a frameshift and premature protein termination (p.Leu350Phefs*3). To our knowledge, this variant has not been reported in the literature or in a large population database, indicating this variant is rare. Loss of function has not been established as a mechanism of RASA2-related disease (Human Gene Mutation Database). At this time, the clinical significance of this variant is uncertain due to the absence of conclusive functional and genetic evidence.